The following is an entry in ClinVar:

NM_002016.2(FLG):c.7081C>T (p.Arg2361Ter)

Genes: CCDST (cervical cancer associated DHX9 suppressive transcript; plus strand), FLG (filaggrin; minus strand). Cytogenetic location: 1q21.3.
Variant type: single nucleotide variant.
Coding change: c.7081C>T on transcript NM_002016.2 (MANE Select); coding-DNA position 7081, C replaced by T.
Protein change: p.Arg2361Ter; replaces arginine 2361 with a stop codon.
Molecular consequence: nonsense.
Genome position (GRCh38, 1-based): chr1:152,307,805, G>A on the plus strand (C>T on the coding strand, the complement: FLG is on the minus strand). VCF-style: chr1-152307805-G-A. GRCh37 (hg19) VCF-style: chr1-152280281-G-A.
Other names: short protein forms R2361*.
Identifiers: ClinVar variation 432612 (VCV000432612.6), dbSNP rs528961889, ClinGen allele CA1104911.
Genomic context (GRCh38, chr1:152,307,805, plus strand): 5'-GTGTGTCTGAGTCTTCTGAATGTCCCTCACTGTCACTGGCCTGACTACCACTGGACCCTC[G>A]GTGTCCACTGTCTCTGACTGCAGATGAAGCTTGTCCGTGCCCAATGCCTGAGTGTCTGGA-3'

ClinVar aggregate classification (germline): Pathogenic/Likely pathogenic. Review status: criteria provided, multiple submitters, no conflicts (2 of 4 stars). 2 submissions from 2 submitters: Pathogenic (1); Likely pathogenic (1). Last evaluated 2025-05-26.

Allele frequency attached by ClinVar (database versions not stated): TOPMed 0.00002.

Submissions (2):

Dasa
Classification: Likely pathogenic. Last evaluated: 2025-05-26. Review status: criteria provided, single submitter. Criteria: DASA Assertion Criteria. Collection method: clinical testing. Allele origin: germline.
Comment: NM_002016.2(FLG):c.7081C>T (p.Arg2361*) is a nonsense variant in FLG predicted to introduce a premature termination codon and is predicted to result in an absent or altered protein product. Loss of function is an established disease mechanism for FLG (PMID: 16444271; PMID: 27793761; PMID: 27667308). This variant has been reported in individuals with FLG-related disorders. Also, this variant is rare in population databases. Based on the currently available evidence, this variant is classified as likely pathogenic.

GeneDx
Classification: Pathogenic. Last evaluated: 2023-09-05. Review status: criteria provided, single submitter. Criteria: GeneDx Variant Classification Process June 2021. Collection method: clinical testing. Allele origin: germline. Affected: yes.
Comment: Nonsense variant predicted to result in protein truncation, as the last 1701 amino acids are lost, and other loss-of-function variants have been reported downstream in HGMD; Has not been previously published as pathogenic or benign to our knowledge; This variant is associated with the following publications: (PMID: 16444271)

Literature cited by the submitters: PubMed 16444271 (cited by Dasa); PubMed 27793761 (cited by Dasa); PubMed 27667308 (cited by Dasa).